The following is an entry in ClinVar:

ClinVar aggregate classification (germline): Uncertain significance (1 of 4 stars; one submission).

Allele frequency attached by ClinVar (database versions not stated): gnomAD exomes below 0.00001; TOPMed 0.00001; gnomAD 0.00002 and 0.00003; 1000 Genomes Project 30x 0.00016.

Submission:

Labcorp Genetics (formerly Invitae), Labcorp
Classification: Uncertain significance. Last evaluated: 2024-07-17. Review status: criteria provided, single submitter. Criteria: Invitae Variant Classification Sherloc (09022015). Collection method: clinical testing. Allele origin: germline.
Comment: This sequence change replaces arginine, which is basic and polar, with cysteine, which is neutral and slightly polar, at codon 193 of the HYOU1 protein (p.Arg193Cys). This variant is present in population databases (rs574849871, gnomAD 0.005%). This variant has not been reported in the literature in individuals affected with HYOU1-related conditions. ClinVar contains an entry for this variant (Variation ID: 1520059). An algorithm developed to predict the effect of missense changes on protein structure and function (PolyPhen-2) suggests that this variant is likely to be disruptive. In summary, the available evidence is currently insufficient to determine the role of this variant in disease. Therefore, it has been classified as a Variant of Uncertain Significance.

NM_006389.5(HYOU1):c.577C>T (p.Arg193Cys)

Gene: HYOU1 (hypoxia up-regulated 1; minus strand). Cytogenetic location: 11q23.3.
Variant type: single nucleotide variant.
Coding change: c.577C>T on transcript NM_006389.5 (MANE Select); coding-DNA position 577, C replaced by T.
Protein change: p.Arg193Cys; replaces arginine 193 with cysteine.
Molecular consequence: missense variant.
Genome position (GRCh38, 1-based): chr11:119,054,595, G>A on the plus strand (C>T on the coding strand, the complement: HYOU1 is on the minus strand). VCF-style: chr11-119054595-G-A. GRCh37 (hg19) VCF-style: chr11-118925307-G-A.
Other names: c.577C>T, p.Arg193Cys (NM_001130991.3); short protein forms R193C.
Identifiers: ClinVar variation 1520059 (VCV001520059.8), dbSNP rs574849871, ClinGen allele CA229648075.